The following is an entry in ClinVar:

ClinVar aggregate classification (germline): Uncertain significance. Review status: criteria provided, multiple submitters, no conflicts (2 of 4 stars). 2 submissions from 2 submitters: Uncertain significance (2). Last evaluated 2024-02-09.

Conditions:
Ataxia-telangiectasia syndrome (AT). Also called: LOUIS-BAR SYNDROME; Cerebello-oculocutaneous telangiectasia; Immunodeficiency with ataxia telangiectasia; Ataxia-telangiectasia, complementation group D; AT, COMPLEMENTATION GROUP C; ATAXIA-TELANGIECTASIA, COMPLEMENTATION GROUP A. Identifiers: Orphanet 100, MedGen C0004135, MONDO:0008840, OMIM 208900.
Hereditary cancer-predisposing syndrome. Also called: Tumor predisposition; Neoplastic Syndromes, Hereditary; Hereditary Cancer Syndrome; Hereditary neoplastic syndrome. Identifiers: Orphanet 140162, MedGen C0027672, MeSH D009386, MONDO:0015356.

Allele frequency attached by ClinVar (database versions not stated): gnomAD exomes below 0.00001.
gnomAD v4.1: 1 of 1,614,072 alleles (0.000062%); highest among the groups gnomAD compares: Non-Finnish European, 0.000085%; no homozygotes.

Submissions (2):

Labcorp Genetics (formerly Invitae), Labcorp
Classification: Uncertain significance for Ataxia-telangiectasia syndrome. Last evaluated: 2024-02-09. Review status: criteria provided, single submitter. Criteria: Invitae Variant Classification Sherloc (09022015). Collection method: clinical testing. Allele origin: germline.
Comment: This sequence change replaces histidine, which is basic and polar, with tyrosine, which is neutral and polar, at codon 674 of the ATM protein (p.His674Tyr). This variant is not present in population databases (gnomAD no frequency). This variant has not been reported in the literature in individuals affected with ATM-related conditions. ClinVar contains an entry for this variant (Variation ID: 1784554). Algorithms developed to predict the effect of missense changes on protein structure and function output the following: SIFT: "Not Available"; PolyPhen-2: "Benign"; Align-GVGD: "Not Available". The tyrosine amino acid residue is found in multiple mammalian species, which suggests that this missense change does not adversely affect protein function. In summary, the available evidence is currently insufficient to determine the role of this variant in disease. Therefore, it has been classified as a Variant of Uncertain Significance.

Ambry Genetics
Classification: Uncertain significance for Hereditary cancer-predisposing syndrome. Last evaluated: 2019-10-24. Review status: criteria provided, single submitter. Criteria: Ambry Variant Classification Scheme 2023. Collection method: clinical testing. Allele origin: germline.
Comment: The p.H674Y variant (also known as c.2020C>T), located in coding exon 12 of the ATM gene, results from a C to T substitution at nucleotide position 2020. The histidine at codon 674 is replaced by tyrosine, an amino acid with similar properties. This amino acid position is not well conserved in available vertebrate species. In addition, this alteration is predicted to be tolerated by in silico analysis. Since supporting evidence is limited at this time, the clinical significance of this alteration remains unclear.

NM_000051.4(ATM):c.2020C>T (p.His674Tyr)

Gene: ATM (ATM serine/threonine kinase; plus strand). Cytogenetic location: 11q22.3.
Variant type: single nucleotide variant.
Coding change: c.2020C>T on transcript NM_000051.4 (MANE Select); coding-DNA position 2020, C replaced by T.
Protein change: p.His674Tyr; replaces histidine 674 with tyrosine.
Molecular consequence: missense variant.
Genome position (GRCh38, 1-based): chr11:108,253,935, C>T. VCF-style: chr11-108253935-C-T. GRCh37 (hg19) VCF-style: chr11-108124662-C-T.
Other names: c.2020C>T, p.His674Tyr (NM_001351834.2); short protein forms H674Y.
Identifiers: ClinVar variation 1784554 (VCV001784554.5), dbSNP rs2135369195, ClinGen allele CA382537348.